The following is an entry in ClinVar:

NM_001352514.2(HLCS):c.1401_1435del (p.Phe468fs)

Gene: HLCS (holocarboxylase synthetase; minus strand). Cytogenetic location: 21q22.13.
Variant type: Deletion.
Coding change: c.1401_1435del on transcript NM_001352514.2 (MANE Select); coding-DNA positions 1401 to 1435, 35 bases deleted.
Protein change: p.Phe468fs; shifts the reading frame from phenylalanine 468.
Molecular consequence: frameshift variant. On other transcripts: non-coding transcript variant (2).
Genome position (GRCh38, 1-based): chr21:36,936,451-36,936,485, 35 bases deleted; deleting any 35 consecutive bases within chr21:36,936,451-36,936,489 gives the same sequence; the c. name uses the placement nearest the transcript's 3' end. GRCh37 (hg19): chr21:38,308,755-38,308,789.
Other names: c.960_994del, p.Phe321fs (NM_000411.8, NM_001242784.3, NM_001242785.2 and 4 more transcripts); short protein forms F468fs, F321fs.
Identifiers: ClinVar variation 5003394 (VCV005003394.1).

ClinVar aggregate classification (germline): Pathogenic (1 of 4 stars; one submission).

Conditions:
Holocarboxylase synthetase deficiency. Also called: MULTIPLE CARBOXYLASE DEFICIENCY, EARLY ONSET. Identifiers: Orphanet 79242, MedGen C0268581, MONDO:0009666, OMIM 253270.

Submission:

Myriad Genetics, Inc.
Classification: Pathogenic for Holocarboxylase synthetase deficiency. Last evaluated: 2026-06-02. Review status: criteria provided, single submitter. Criteria: Myriad Autosomal Dominant, Autosomal Recessive and X-Linked Classification Criteria (2023). Collection method: clinical testing. Allele origin: unknown.
Comment: NM_000411.6(HLCS):c.960_994del35(F321Gfs*19) is a frameshift variant classified as pathogenic in the context of holocarboxylase synthetase deficiency. F321Gfs*19 has not been observed in cases with relevant disease. Relevant functional assessments of this variant are not available in the literature. F321Gfs*19 has not been observed in referenced population frequency databases. In summary, NM_000411.6(HLCS):c.960_994del35(F321Gfs*19) is a frameshift variant in a gene where loss of function is a known mechanism of disease and is predicted to disrupt protein function. Please note: this variant was assessed in the context of healthy population screening.